The following is an entry in ClinVar:

ClinVar aggregate classification (germline): Uncertain significance. Review status: criteria provided, multiple submitters, no conflicts (2 of 4 stars). 2 submissions from 2 submitters: Uncertain significance (2). Last evaluated 2025-10-14.

Allele frequency attached by ClinVar (database versions not stated): gnomAD 0.00002; ExAC 0.00003; gnomAD exomes 0.00003; TOPMed 0.00003; ESP Exome Variant Server 0.00008.

Submissions (2):

Labcorp Genetics (formerly Invitae), Labcorp
Classification: Uncertain significance. Last evaluated: 2025-10-14. Review status: criteria provided, single submitter. Criteria: Invitae Variant Classification Sherloc (09022015). Collection method: clinical testing. Allele origin: germline.
Comment: This sequence change replaces methionine, which is neutral and non-polar, with isoleucine, which is neutral and non-polar, at codon 1028 of the TET2 protein (p.Met1028Ile). This variant is present in population databases (rs375794667, gnomAD 0.1%). This variant has not been reported in the literature in individuals affected with TET2-related conditions. ClinVar contains an entry for this variant (Variation ID: 1909591). An algorithm developed to predict the effect of missense changes on protein structure and function (PolyPhen-2) suggests that this variant is likely to be disruptive. In summary, the available evidence is currently insufficient to determine the role of this variant in disease. Therefore, it has been classified as a Variant of Uncertain Significance.

Ambry Genetics
Classification: Uncertain significance. Last evaluated: 2024-11-21. Review status: criteria provided, single submitter. Criteria: Ambry Variant Classification Scheme 2023. Collection method: clinical testing. Allele origin: germline.
Comment: The p.M1028I variant (also known as c.3084G>A), located in coding exon 1 of the TET2 gene, results from a G to A substitution at nucleotide position 3084. The methionine at codon 1028 is replaced by isoleucine, an amino acid with highly similar properties. This amino acid position is conserved. In addition, this alteration is predicted to be tolerated by in silico analysis. Based on the available evidence, the clinical significance of this variant remains unclear.

NM_001127208.3(TET2):c.3084G>A (p.Met1028Ile)

Genes: TET2 (tet methylcytosine dioxygenase 2; plus strand), TET2-AS1 (TET2 antisense RNA 1; minus strand). Cytogenetic location: 4q24.
Variant type: single nucleotide variant.
Coding change: c.3084G>A on transcript NM_001127208.3 (MANE Select); coding-DNA position 3084, G replaced by A.
Protein change: p.Met1028Ile; replaces methionine 1028 with isoleucine.
Molecular consequence: missense variant.
Genome position (GRCh38, 1-based): chr4:105,237,026, G>A. VCF-style: chr4-105237026-G-A. GRCh37 (hg19) VCF-style: chr4-106158183-G-A.
Other names: c.3084G>A, p.Met1028Ile (NM_017628.4); short protein forms M1028I.
Identifiers: ClinVar variation 1909591 (VCV001909591.7), dbSNP rs375794667, ClinGen allele CA3032013.